The following is an entry in ClinVar:

ClinVar aggregate classification (germline): Uncertain significance. Review status: criteria provided, single submitter (1 of 4 stars). 3 submissions from 3 submitters: Uncertain significance (1). 2 of the submissions do not count toward it. Last evaluated 2023-05-16.

Conditions:
Hereditary factor XI deficiency disease. Also called: Congenital factor XI deficiency; PLASMA THROMBOPLASTIN ANTECEDENT DEFICIENCY; PTA DEFICIENCY; ROSENTHAL SYNDROME. Identifiers: Orphanet 329, MedGen C0015523, MeSH D005173, MONDO:0012897, OMIM 612416.

Allele frequency attached by ClinVar (database versions not stated): gnomAD 0.00002; TOPMed 0.00002; ESP Exome Variant Server 0.00015.
gnomAD v4.1: 44 of 1,613,954 alleles (0.0027%); highest among the groups gnomAD compares: Admixed American, 0.0083%; no homozygotes.

Submissions (3):

Women's Health and Genetics/Laboratory Corporation of America, LabCorp
Classification: Uncertain significance. Last evaluated: 2023-05-16. Review status: criteria provided, single submitter. Criteria: LabCorp Variant Classification Summary - May 2015. Collection method: clinical testing. Allele origin: germline.
Comment: Variant summary: F11 c.683G>A (p.Arg228Gln) results in a conservative amino acid change located in the apple domain (IPR000177) of the encoded protein sequence. Four of five in-silico tools predict a benign effect of the variant on protein function. The variant allele was found at a frequency of 2.4e-05 in 251438 control chromosomes (gnomAD). The available data on variant occurrences in the general population are insufficient to allow any conclusion about variant significance. c.683G>A has been reported in the literature as a heterozygous genotype in one individual and as a compound heterozygous genotype together with a full gene deletion in another individual, both affected with Hereditary factor XI deficiency disease (Gueguen_2012, De Mazancourt_2023). These data do not allow any strong conclusion about variant significance. To our knowledge, no experimental evidence demonstrating an impact on protein function has been reported. The following publications have been ascertained in the context of this evaluation (PMID: 36195107, 22159456). One clinical diagnostic laboratory has submitted a clinical-significance assessment for this variant to ClinVar after 2014 without evidence for independent evaluation and classified the variant as uncertain significance. Based on the evidence outlined above, the variant was classified as uncertain significance.

Counsyl
Classification: Uncertain significance for Hereditary factor XI deficiency disease. Last evaluated: 2017-12-28. Review status: no assertion criteria provided. Collection method: clinical testing. Allele origin: unknown. Not counted in ClinVar's aggregate classification.

UniProtKB/Swiss-Prot
No classification provided. Review status: no classification provided. Collection method: not provided. Allele origin: not provided. Not counted in ClinVar's aggregate classification.

Literature cited by the submitters: PubMed 36195107 (cited by Women's Health and Genetics/Laboratory Corporation of America, LabCorp); PubMed 22159456 (cited by Women's Health and Genetics/Laboratory Corporation of America, LabCorp and Counsyl).

NM_000128.4(F11):c.683G>A (p.Arg228Gln)

Gene: F11 (coagulation factor XI; plus strand). Cytogenetic location: 4q35.2.
Variant type: single nucleotide variant.
Coding change: c.683G>A on transcript NM_000128.4 (MANE Select); coding-DNA position 683, G replaced by A.
Protein change: p.Arg228Gln; replaces arginine 228 with glutamine.
Molecular consequence: missense variant.
Genome position (GRCh38, 1-based): chr4:186,276,318, G>A. VCF-style: chr4-186276318-G-A. GRCh37 (hg19) VCF-style: chr4-187197472-G-A.
Other names: short protein forms R228Q.
Identifiers: ClinVar variation 68196 (VCV000068196.3), dbSNP rs281875246, ClinGen allele CA219146.
Genomic context (GRCh38, chr4:186,276,318, plus strand): 5'-CGGTGTTTGCAGACAGCAACATCGACAGTGTCATGGCTCCCGATGCTTTTGTCTGTGGCC[G>A]AATCTGCACTCATCATCCCGGTTGCTTGTTTTTTACCTTCTTTTCCCAGGAATGGCCCAA-3'
Protein context (NP_000119.1, residues 218-238): VMAPDAFVCG[Arg228Gln]ICTHHPGCLF